The following is an entry in ClinVar:

NM_014915.3(ANKRD26):c.3138C>A (p.Asp1046Glu)

Gene: ANKRD26 (ankyrin repeat domain 26; minus strand). Cytogenetic location: 10p12.1.
Variant type: single nucleotide variant.
Coding change: c.3138C>A on transcript NM_014915.3 (MANE Select); coding-DNA position 3138, C replaced by A.
Protein change: p.Asp1046Glu; replaces aspartic acid 1046 with glutamic acid.
Molecular consequence: missense variant.
Genome position (GRCh38, 1-based): chr10:27,035,312, G>T on the plus strand (C>A on the coding strand, the complement: ANKRD26 is on the minus strand). VCF-style: chr10-27035312-G-T. GRCh37 (hg19) VCF-style: chr10-27324241-G-T.
Other names: c.3135C>A, p.Asp1045Glu (NM_001256053.2); short protein forms D1046E, D1045E.
Identifiers: ClinVar variation 4825351 (VCV004825351.1).

ClinVar aggregate classification (germline): Uncertain significance (1 of 4 stars; one submission).

Conditions:
Inborn genetic diseases. Identifiers: MedGen C0950123, MeSH D030342.

gnomAD v4.1: 1 of 1,613,838 alleles (0.000062%); highest among the groups gnomAD compares: Non-Finnish European, 0.000085%; no homozygotes.

Submission:

Ambry Genetics
Classification: Uncertain significance for Inborn genetic diseases. Last evaluated: 2025-12-17. Review status: criteria provided, single submitter. Criteria: Ambry Variant Classification Scheme 2023. Collection method: clinical testing. Allele origin: germline.
Comment: The p.D1046E variant (also known as c.3138C>A), located in coding exon 24 of the ANKRD26 gene, results from a C to A substitution at nucleotide position 3138. The aspartic acid at codon 1046 is replaced by glutamic acid, an amino acid with highly similar properties. This amino acid position is conserved. In addition, this alteration is predicted to be tolerated by in silico analysis. Based on the available evidence, the clinical significance of this variant remains unclear.